The following is an entry in ClinVar:

ClinVar aggregate classification (germline): Uncertain significance. Review status: criteria provided, multiple submitters, no conflicts (2 of 4 stars). 6 submissions from 6 submitters: Uncertain significance (6). Last evaluated 2026-06-01.

Conditions:
Stormorken syndrome (STRMK). Also called: THROMBOCYTOPATHY, ASPLENIA, AND MIOSIS. Identifiers: Orphanet 3204, MedGen C1861451, MONDO:0008497, OMIM 185070.
Myopathy with tubular aggregates (TAM). Also called: Tubular Aggregate Myopathy. Identifiers: Orphanet 2593, MedGen C0410207, MONDO:0008051.
Combined immunodeficiency due to STIM1 deficiency. Also called: IMMUNODEFICIENCY 10; STIM1 DEFICIENCY. Identifiers: Orphanet 169090, Orphanet 317430, MedGen C2748557, MONDO:0013008, OMIM 612783.

Allele frequency attached by ClinVar (database versions not stated): TOPMed 0.00004; ESP Exome Variant Server 0.00008; ExAC 0.00002.
gnomAD v4.1: 34 of 1,614,120 alleles (0.0021%); highest among the groups gnomAD compares: South Asian, 0.013%; no homozygotes.

Submissions (6):

CeGaT Center for Human Genetics Tuebingen
Classification: Uncertain significance. Last evaluated: 2026-06-01. Review status: criteria provided, single submitter. Criteria: CeGaT Center For Human Genetics Tuebingen Variant Classification Criteria Version 2. Collection method: clinical testing. Allele origin: germline. Affected: yes. Observed: 1 variant allele.
Comment: STIM1: PM2, BP4

GeneDx
Classification: Uncertain significance. Last evaluated: 2026-04-05. Review status: criteria provided, single submitter. Criteria: GeneDx Variant Classification Process June 2021. Collection method: clinical testing. Allele origin: germline.
Comment: In silico analysis supports that this missense variant has a deleterious effect on protein structure/function; Has not been previously published as pathogenic or benign to our knowledge

Labcorp Genetics (formerly Invitae), Labcorp
Classification: Uncertain significance for Myopathy with tubular aggregates; Combined immunodeficiency due to STIM1 deficiency; Stormorken syndrome. Last evaluated: 2025-12-10. Review status: criteria provided, single submitter. Criteria: Invitae Variant Classification Sherloc (09022015). Collection method: clinical testing. Allele origin: germline.
Comment: This sequence change replaces arginine, which is basic and polar, with cysteine, which is neutral and slightly polar, at codon 542 of the STIM1 protein (p.Arg542Cys). This variant is present in population databases (rs370846246, gnomAD 0.02%). This variant has not been reported in the literature in individuals affected with STIM1-related conditions. ClinVar contains an entry for this variant (Variation ID: 530880). Invitae Evidence Modeling of protein sequence and biophysical properties (such as structural, functional, and spatial information, amino acid conservation, physicochemical variation, residue mobility, and thermodynamic stability) has been performed for this missense variant. However, the output from this modeling did not meet the statistical confidence thresholds required to predict the impact of this variant on STIM1 protein function. In summary, the available evidence is currently insufficient to determine the role of this variant in disease. Therefore, it has been classified as a Variant of Uncertain Significance.

Dasa
Classification: Uncertain significance. Last evaluated: 2025-08-19. Review status: criteria provided, single submitter. Criteria: DASA Assertion Criteria. Collection method: clinical testing. Allele origin: germline.
Comment: NM_001382567.1(STIM1):c.1717C>T (p.Arg573Cys) is a missense variant that results in the substitution of arginine with cysteine. This variant is rare in population databases. The currently available literature and clinical evidence are not sufficient to establish a definitive association between this variant and the reported condition. Therefore, this variant is classified as a variant of uncertain significance.

Blueprint Genetics
Classification: Uncertain significance. Last evaluated: 2023-02-17. Review status: criteria provided, single submitter. Criteria: ACMG Guidelines, 2015. Collection method: clinical testing. Allele origin: germline.

ISTH-SSC Genomics in Thrombosis and Hemostasis, KU Leuven, Center for Molecular and Vascular Biology
Classification: Uncertain significance for Stormorken syndrome. Review status: criteria provided, single submitter. Criteria: ACMG Guidelines, 2015. Collection method: clinical testing. Allele origin: germline. Affected: yes. Observed: 1 heterozygote.
Comment: Submitted to GoldVariant by Jose María Bastida and José Rivera; Grupo Español de Alteraciones Plaquetarias Congénitas (GEAPC)

NM_001382567.1(STIM1):c.1717C>T (p.Arg573Cys)

Gene: STIM1 (stromal interaction molecule 1; plus strand). Cytogenetic location: 11p15.4.
Variant type: single nucleotide variant.
Coding change: c.1717C>T on transcript NM_001382567.1 (MANE Select); coding-DNA position 1717, C replaced by T.
Protein change: p.Arg573Cys; replaces arginine 573 with cysteine.
Molecular consequence: missense variant. On other transcripts: 3 prime UTR variant (4), non-coding transcript variant (3).
Genome position (GRCh38, 1-based): chr11:4,091,364, C>T. VCF-style: chr11-4091364-C-T. GRCh37 (hg19) VCF-style: chr11-4112594-C-T.
Other names: c.1942C>T, p.Arg648Cys (NM_001277961.3); c.*38C>T (NM_001277962.2, NM_001382578.1, NM_001382579.1 and 1 more transcripts); c.1720C>T, p.Arg574Cys (NM_001382566.1); c.1645C>T, p.Arg549Cys (NM_001382568.1); c.1489C>T, p.Arg497Cys (NM_001382569.1); c.1396C>T, p.Arg466Cys (NM_001382570.1); c.1144C>T, p.Arg382Cys (NM_001382571.1); c.1402C>T, p.Arg468Cys (NM_001382575.1, NM_001382576.1, NM_001382577.1); and 2 more; short protein forms R542C, R648C, R379C, R382C, R466C, R468C, R497C, R549C.
Identifiers: ClinVar variation 530880 (VCV000530880.20), dbSNP rs370846246, ClinGen allele CA5830596.